The following is an entry in ClinVar:

NM_000548.5(TSC2):c.1310C>T (p.Ala437Val)

Gene: TSC2 (TSC complex subunit 2; plus strand). Cytogenetic location: 16p13.3.
Variant type: single nucleotide variant.
Coding change: c.1310C>T on transcript NM_000548.5 (MANE Select); coding-DNA position 1310, C replaced by T.
Protein change: p.Ala437Val; replaces alanine 437 with valine.
Molecular consequence: missense variant. On other transcripts: 5 prime UTR variant (10), non-coding transcript variant (5).
Genome position (GRCh38, 1-based): chr16:2,062,549, C>T. VCF-style: chr16-2062549-C-T. GRCh37 (hg19) VCF-style: chr16-2112550-C-T.
Other names: c.1310C>T, p.Ala437Val (NM_001077183.3, NM_001114382.3, NM_001363528.2 and 6 more transcripts); c.1199C>T, p.Ala400Val (NM_001318827.2, NM_001406670.1, NM_001406678.1); c.1163C>T, p.Ala388Val (NM_001318829.2, NM_001406675.1, NM_001406676.1 and 1 more transcripts); c.710C>T, p.Ala237Val (NM_001318831.2, NM_001406680.1, NM_001406682.1 and 6 more transcripts); c.1343C>T, p.Ala448Val (NM_001318832.2); c.1400C>T, p.Ala467Val (NM_001406667.1, NM_001406668.1); c.1298C>T, p.Ala433Val (NM_001406671.1, NM_001406673.1); c.1253C>T, p.Ala418Val (NM_001406677.1); and 3 more; short protein forms A237V, A283V, A388V, A400V, A418V, A433V, A437V, A448V.
Identifiers: ClinVar variation 2571884 (VCV002571884.2), dbSNP rs2151164422, ClinGen allele CA394322240.

ClinVar aggregate classification (germline): Uncertain significance (1 of 4 stars; one submission).

Submission:

GeneDx
Classification: Uncertain significance. Last evaluated: 2024-08-12. Review status: criteria provided, single submitter. Criteria: GeneDx Variant Classification Process June 2021. Collection method: clinical testing. Allele origin: germline. Affected: yes.
Comment: Not observed at significant frequency in large population cohorts (gnomAD); In silico analysis indicates that this missense variant does not alter protein structure/function; Has not been previously published as pathogenic or benign to our knowledge